The following is an entry in ClinVar:

ClinVar aggregate classification (germline): Uncertain significance (1 of 4 stars; one submission).

Submission:

Women's Health and Genetics/Laboratory Corporation of America, LabCorp
Classification: Uncertain significance. Last evaluated: 2017-06-16. Review status: criteria provided, single submitter. Criteria: LabCorp Variant Classification Summary - May 2015. Collection method: clinical testing. Allele origin: germline.
Comment: Variant summary: The APC c.8281C>G (p.Pro2761Ala) variant involves the alteration of a conserved nucleotide. 2/4 in silico tools predict a benign outcome for this variant (SNPsandGO not captured). This variant is absent in 121272 control chromosomes. The variant of interest has not, to our knowledge, been reported in affected individuals via publications and/or reputable databases/clinical diagnostic laboratories; nor evaluated for functional impact by in vivo/vitro studies. Because of the absence of clinical information and the lack of functional studies, the variant is classified as a variant of uncertain significance (VUS) until additional information becomes available.

NM_000038.6(APC):c.8281C>G (p.Pro2761Ala)

Gene: APC (APC regulator of WNT signaling pathway; plus strand). Cytogenetic location: 5q22.2.
Variant type: single nucleotide variant.
Coding change: c.8281C>G on transcript NM_000038.6 (MANE Select); coding-DNA position 8281, C replaced by G.
Protein change: p.Pro2761Ala; replaces proline 2761 with alanine.
Molecular consequence: missense variant.
Genome position (GRCh38, 1-based): chr5:112,843,875, C>G. VCF-style: chr5-112843875-C-G. GRCh37 (hg19) VCF-style: chr5-112179572-C-G.
Other names: c.8281C>G, p.Pro2761Ala (NM_001127510.3, NM_001354895.2); c.8227C>G, p.Pro2743Ala (NM_001127511.3); c.8335C>G, p.Pro2779Ala (NM_001354896.2); c.8311C>G, p.Pro2771Ala (NM_001354897.2); c.8206C>G, p.Pro2736Ala (NM_001354898.2); c.8197C>G, p.Pro2733Ala (NM_001354899.2); c.8158C>G, p.Pro2720Ala (NM_001354900.2); c.8104C>G, p.Pro2702Ala (NM_001354901.2); and 5 more; short protein forms P2743A, P2761A, P2720A, P2478A, P2601A, P2660A, P2670A, P2736A.
Identifiers: ClinVar variation 495376 (VCV000495376.1), dbSNP rs1060503332, ClinGen allele CA16039298.
Genomic context (GRCh38, chr5:112,843,875, plus strand): 5'-GGACAAAATAATCCTGTCCCTGTATCAGAGACTAATGAAAGTTCTATAGTGGAACGTACC[C>G]CATTCAGTTCTAGCAGCTCAAGCAAACACAGTTCACCTAGTGGGACTGTTGCTGCCAGAG-3'
Protein context (NP_000029.2, residues 2751-2771): TNESSIVERT[Pro2761Ala]FSSSSSSKHS